The following is an entry in ClinVar:

ClinVar aggregate classification (germline): Uncertain significance (1 of 4 stars; one submission).

Conditions:
STAT3 gain of function. Identifiers: MedGen C4288261.
Hyper-IgE recurrent infection syndrome 1, autosomal dominant. Also called: HYPER-IgE SYNDROME 1, AUTOSOMAL DOMINANT, WITH RECURRENT INFECTIONS; JOB SYNDROME; Job's Syndrome; STAT3 Hyper IgE Syndrome; Hyper-IgE recurrent infection syndrome 1. Identifiers: Orphanet 2314, MedGen C2936739, MONDO:0007818, OMIM 147060.

Submission:

Labcorp Genetics (formerly Invitae), Labcorp
Classification: Uncertain significance for STAT3 gain of function; Hyper-IgE recurrent infection syndrome 1, autosomal dominant. Last evaluated: 2021-01-04. Review status: criteria provided, single submitter. Criteria: Invitae Variant Classification Sherloc (09022015). Collection method: clinical testing. Allele origin: germline.
Comment: In summary, the available evidence is currently insufficient to determine the role of this variant in disease. Therefore, it has been classified as a Variant of Uncertain Significance. Nucleotide substitutions within the consensus splice site are a relatively common cause of aberrant splicing (PMID: 17576681, 9536098). Algorithms developed to predict the effect of sequence changes on RNA splicing suggest that this variant may disrupt the consensus splice site, but this prediction has not been confirmed by published transcriptional studies. This variant has been observed in individual(s) with Hyper-IgE syndrome (PMID: 20159255, Invitae). This variant is not present in population databases (ExAC no frequency). This sequence change falls in intron 12 of the STAT3 gene. It does not directly change the encoded amino acid sequence of the STAT3 protein. It affects a nucleotide within the consensus splice site of the intron.

Literature cited by the submitters: PubMed 17576681; PubMed 9536098; PubMed 20159255.

NM_139276.3(STAT3):c.1139+2dup

Gene: STAT3 (signal transducer and activator of transcription 3; minus strand). Cytogenetic location: 17q21.2.
Variant type: Duplication.
Coding change: c.1139+2dup on transcript NM_139276.3 (MANE Select); the canonical splice donor site of the intron after coding-DNA position 1139, one base duplicated (T; older notation c.1139+2dupT).
Molecular consequence: splice donor variant.
Genome position (GRCh38, 1-based): chr17:42,329,745, A duplicated on the plus strand (T on the coding strand, the reverse complement: STAT3 is on the minus strand). VCF-style (leftmost placement, unchanged base first): chr17-42329744-T-TA. GRCh37 (hg19) VCF-style: chr17-40481762-T-TA.
Other names: c.1043+2dup (NM_001384989.1); c.1079+2dup (NM_001384992.1); c.1139+2dup (NM_001384984.1, NM_001369519.1, NM_003150.4 and 12 more transcripts); c.1061+2dup (NM_001384985.1); c.1154+2dup (NM_001384986.1, NM_001384990.1).
Identifiers: ClinVar variation 1372040 (VCV001372040.8), dbSNP rs2144777889, ClinGen allele CA2573153789.